The following is an entry in ClinVar:

ClinVar aggregate classification (germline): Uncertain significance (1 of 4 stars; one submission).

Submission:

GeneDx
Classification: Uncertain significance. Last evaluated: 2025-02-04. Review status: criteria provided, single submitter. Criteria: GeneDx Variant Classification Process June 2021. Collection method: clinical testing. Allele origin: germline. Affected: yes.
Comment: In silico analysis supports that this missense variant has a deleterious effect on protein structure/function; Has not been previously published as pathogenic or benign to our knowledge

NM_006280.3(SSR4):c.175A>T (p.Asn59Tyr)

Gene: SSR4 (signal sequence receptor subunit 4; plus strand). Cytogenetic location: Xq28.
Variant type: single nucleotide variant.
Coding change: c.175A>T on transcript NM_006280.3 (MANE Select); coding-DNA position 175, A replaced by T.
Protein change: p.Asn59Tyr; replaces asparagine 59 with tyrosine.
Molecular consequence: missense variant. On other transcripts: non-coding transcript variant (1).
Genome position (GRCh38, 1-based): chrX:153,796,541, A>T. VCF-style: chrX-153796541-A-T. GRCh37 (hg19) VCF-style: chrX-153061996-A-T.
Other names: c.208A>T, p.Asn70Tyr (NM_001204526.2); c.199A>T, p.Asn67Tyr (NM_001204527.2); c.256A>T, p.Asn86Tyr (NM_001440795.1); c.175A>T, p.Asn59Tyr (NM_001440796.1); short protein forms N59Y, N67Y, N70Y, N86Y.
Identifiers: ClinVar variation 4074477 (VCV004074477.1).
Genomic context (GRCh38, chrX:153,796,541, plus strand): 5'-TCTGACGCTGTCATTTCCACTGAGACCGTCTTCATTGTGGAGATCTCCCTGACATGCAAG[A>T]ACAGGGTCCAGGTGAGACAGTGGGGTTTCAGACAGGAGGGCGGGTGGGGGGTGCTCCTCA-3'
Protein context (NP_006271.1, residues 49-69): FIVEISLTCK[Asn59Tyr]RVQNMALYAD